The following is an entry in ClinVar:

ClinVar aggregate classification (germline): Likely benign. Review status: criteria provided, single submitter (1 of 4 stars). 2 submissions from 2 submitters: Likely benign (1). 1 of the submissions does not count toward it. Last evaluated 2025-11-14.

Conditions:
CAD-related disorder. Also called: CAD-related condition.

Allele frequency attached by ClinVar (database versions not stated): gnomAD exomes 0.00002 and 0.00006; ExAC 0.00008; ESP Exome Variant Server 0.00015; TOPMed 0.00023; gnomAD 0.00027; 1000 Genomes Project 0.00080; 1000 Genomes Project 30x 0.00094.
gnomAD v4.1: 69 of 1,613,942 alleles (0.0043%); highest among the groups gnomAD compares: African/African-American, 0.085%; no homozygotes.

Submissions (2):

Labcorp Genetics (formerly Invitae), Labcorp
Classification: Likely benign. Last evaluated: 2025-11-14. Review status: criteria provided, single submitter. Criteria: Invitae Variant Classification Sherloc (09022015). Collection method: clinical testing. Allele origin: germline.

PreventionGenetics, part of Exact Sciences
Classification: Likely benign for CAD-related condition. Last evaluated: 2019-03-22. Review status: no assertion criteria provided. Collection method: clinical testing. Allele origin: germline. Not counted in ClinVar's aggregate classification.
Comment: This variant is classified as likely benign based on ACMG/AMP sequence variant interpretation guidelines (Richards et al. 2015 PMID: 25741868, with internal and published modifications).

NM_004341.5(CAD):c.2032-8C>T

Gene: CAD (carbamoyl-phosphate synthetase 2, aspartate transcarbamylase, and dihydroorotase; plus strand). Cytogenetic location: 2p23.3.
Variant type: single nucleotide variant.
Coding change: c.2032-8C>T on transcript NM_004341.5 (MANE Select); 8 bases into the intron before coding-DNA position 2032, C replaced by T.
Molecular consequence: intron variant.
Genome position (GRCh38, 1-based): chr2:27,226,517, C>T. VCF-style: chr2-27226517-C-T. GRCh37 (hg19) VCF-style: chr2-27449385-C-T.
Other names: c.2032-8C>T (NM_004341.4); c.1843-8C>T (NM_001306079.2).
Identifiers: ClinVar variation 1572290 (VCV001572290.10), dbSNP rs202191629, ClinGen allele CA1572905.